The following is an entry in ClinVar:

NM_001365999.1(SZT2):c.6508+4A>G

Gene: SZT2 (SZT2 subunit of KICSTOR complex; plus strand). Cytogenetic location: 1p34.2.
Variant type: single nucleotide variant.
Coding change: c.6508+4A>G on transcript NM_001365999.1 (MANE Select); 4 bases into the intron after coding-DNA position 6508, A replaced by G.
Molecular consequence: intron variant.
Genome position (GRCh38, 1-based): chr1:43,437,906, A>G. VCF-style: chr1-43437906-A-G. GRCh37 (hg19) VCF-style: chr1-43903577-A-G.
Other names: c.6337+4A>G (NM_015284.4).
Identifiers: ClinVar variation 954692 (VCV000954692.5), dbSNP rs756969292, ClinGen allele CA809905.

ClinVar aggregate classification (germline): Uncertain significance (1 of 4 stars; one submission).

Allele frequency attached by ClinVar (database versions not stated): gnomAD exomes below 0.00001 and 0.00001; TOPMed below 0.00001; ExAC 0.00001.
gnomAD v4.1: 2 of 1,614,072 alleles (0.00012%); highest among the groups gnomAD compares: Admixed American, 0.0033%; no homozygotes.

Submission:

Labcorp Genetics (formerly Invitae), Labcorp
Classification: Uncertain significance. Last evaluated: 2022-02-10. Review status: criteria provided, single submitter. Criteria: Invitae Variant Classification Sherloc (09022015). Collection method: clinical testing. Allele origin: germline.
Comment: This sequence change falls in intron 45 of the SZT2 gene. It does not directly change the encoded amino acid sequence of the SZT2 protein. It affects a nucleotide within the consensus splice site. This variant is present in population databases (rs756969292, gnomAD 0.006%). This variant has not been reported in the literature in individuals affected with SZT2-related conditions. ClinVar contains an entry for this variant (Variation ID: 954692). Variants that disrupt the consensus splice site are a relatively common cause of aberrant splicing (PMID: 17576681, 9536098). Algorithms developed to predict the effect of sequence changes on RNA splicing suggest that this variant is not likely to affect RNA splicing. In summary, the available evidence is currently insufficient to determine the role of this variant in disease. Therefore, it has been classified as a Variant of Uncertain Significance.

Literature cited by the submitters: PubMed 17576681; PubMed 9536098.